The following is an entry in ClinVar:

ClinVar aggregate classification (germline): Uncertain significance (1 of 4 stars; one submission).

Conditions:
Hereditary cancer-predisposing syndrome. Also called: Neoplastic Syndromes, Hereditary; Tumor predisposition; Hereditary Cancer Syndrome; Hereditary neoplastic syndrome. Identifiers: Orphanet 140162, MedGen C0027672, MeSH D009386, MONDO:0015356.

Submission:

Ambry Genetics
Classification: Uncertain significance for Hereditary cancer-predisposing syndrome. Last evaluated: 2026-05-15. Review status: criteria provided, single submitter. Criteria: Ambry Variant Classification Scheme 2023. Collection method: clinical testing. Allele origin: germline.
Comment: The p.E1525K variant (also known as c.4573G>A), located in coding exon 31 of the SMARCA4 gene, results from a G to A substitution at nucleotide position 4573. The glutamic acid at codon 1525 is replaced by lysine, an amino acid with similar properties. This amino acid position is conserved. In addition, the in silico prediction for this alteration is inconclusive. Based on the available evidence, the clinical significance of this variant remains unclear.

NM_003072.5(SMARCA4):c.4477G>A (p.Glu1493Lys)

Gene: SMARCA4 (SWI/SNF related BAF chromatin remodeling complex subunit ATPase 4; plus strand). Cytogenetic location: 19p13.2.
Variant type: single nucleotide variant.
Coding change: c.4477G>A on transcript NM_003072.5 (MANE Select); coding-DNA position 4477, G replaced by A.
Protein change: p.Glu1493Lys; replaces glutamic acid 1493 with lysine.
Molecular consequence: missense variant. On other transcripts: non-coding transcript variant (1).
Genome position (GRCh38, 1-based): chr19:11,058,307, G>A. VCF-style: chr19-11058307-G-A. GRCh37 (hg19) VCF-style: chr19-11168983-G-A.
Other names: c.4477G>A, p.Glu1493Lys (NM_001128844.3); c.4387G>A, p.Glu1463Lys (NM_001128845.2); c.4384G>A, p.Glu1462Lys (NM_001128846.2); c.4378G>A, p.Glu1460Lys (NM_001128847.4, NM_001374457.1); c.4375G>A, p.Glu1459Lys (NM_001128848.2); c.4573G>A, p.Glu1525Lys (NM_001128849.3, NM_001387283.1); c.4474G>A, p.Glu1492Lys (NM_001411150.1); short protein forms E1459K, E1460K, E1462K, E1463K, E1492K, E1493K, E1525K.
Identifiers: ClinVar variation 4864781 (VCV004864781.1).